The following is an entry in ClinVar:

ClinVar aggregate classification (germline): Likely benign (1 of 4 stars; one submission).

gnomAD v4.1: 251 of 1,613,164 alleles (0.016%); highest among the groups gnomAD compares: Admixed American, 0.02%; no homozygotes.

Submission:

CeGaT Center for Human Genetics Tuebingen
Classification: Likely benign. Last evaluated: 2025-06-01. Review status: criteria provided, single submitter. Criteria: CeGaT Center For Human Genetics Tuebingen Variant Classification Criteria Version 2. Collection method: clinical testing. Allele origin: germline. Affected: yes. Observed: 1 variant allele.
Comment: SUPT16H: BP4, BP7

NM_007192.4(SUPT16H):c.2577C>T (p.Ile859=)

Gene: SUPT16H (SPT16 homolog, facilitates chromatin remodeling subunit; minus strand). Cytogenetic location: 14q11.2.
Variant type: single nucleotide variant.
Coding change: c.2577C>T on transcript NM_007192.4 (MANE Select); coding-DNA position 2577, C replaced by T.
Protein change: p.Ile859=; no amino-acid change (isoleucine 859 retained).
Molecular consequence: synonymous variant.
Genome position (GRCh38, 1-based): chr14:21,357,280, G>A on the plus strand (C>T on the coding strand, the complement: SUPT16H is on the minus strand). VCF-style: chr14-21357280-G-A. GRCh37 (hg19) VCF-style: chr14-21825439-G-A.
Identifiers: ClinVar variation 4083949 (VCV004083949.8).